The following is an entry in ClinVar:

NM_001844.5(COL2A1):c.3003+1G>A

Gene: COL2A1 (collagen type II alpha 1 chain; minus strand). Cytogenetic location: 12q13.11.
Variant type: single nucleotide variant.
Coding change: c.3003+1G>A on transcript NM_001844.5 (MANE Select); the canonical splice donor site of the intron after coding-DNA position 3003, G replaced by A.
Molecular consequence: splice donor variant.
Genome position (GRCh38, 1-based): chr12:47,978,290, C>T on the plus strand (G>A on the coding strand, the complement: COL2A1 is on the minus strand). VCF-style: chr12-47978290-C-T. GRCh37 (hg19) VCF-style: chr12-48372073-C-T.
Other names: c.2796+1G>A (NM_033150.3).
Identifiers: ClinVar variation 4851941 (VCV004851941.1).
Genomic context (GRCh38, chr12:47,978,290, plus strand): 5'-AGGTAGAAGCCTTGGCAGGCAGGGCCCAGCTTGGATGGAGGGAGGGATACCCCACACTCA[C>T]CGACGGGCCAGGCAAGCCAGGGAATCCTCTCTCACCACGTTGCCCAGGCAGACCGACGAT-3'

ClinVar aggregate classification (germline): Pathogenic (1 of 4 stars; one submission).

Submission:

Dasa
Classification: Pathogenic. Last evaluated: 2025-03-21. Review status: criteria provided, single submitter. Criteria: DASA Assertion Criteria. Collection method: clinical testing. Allele origin: germline.
Comment: NM_001844.5(COL2A1):c.3003+1G>A introduces a premature termination codon predicted to result in loss of normal protein function. Loss-of-function is an established mechanism of disease for this gene. This variant results in the same amino acid change as a previously established pathogenic variant. This variant has been recurrently observed in individuals with related phenotype (PMID: 39596655; PMID: 20513134). The variant is present at low frequency in population datasets. Based on the available data, this variant is classified as pathogenic.

Literature cited by the submitters: PubMed 39596655; PubMed 20513134.